The following is an entry in ClinVar:

ClinVar aggregate classification (germline): Uncertain significance (1 of 4 stars; one submission).

Conditions:
Hereditary cancer-predisposing syndrome. Also called: Tumor predisposition; Neoplastic Syndromes, Hereditary; Hereditary Cancer Syndrome; Hereditary neoplastic syndrome. Identifiers: Orphanet 140162, MedGen C0027672, MeSH D009386, MONDO:0015356.

Submission:

Ambry Genetics
Classification: Uncertain significance for Hereditary cancer-predisposing syndrome. Last evaluated: 2021-09-29. Review status: criteria provided, single submitter. Criteria: Ambry Variant Classification Scheme 2023. Collection method: clinical testing. Allele origin: germline.
Comment: The c.-32+10362_35dup gross duplication spans at least the 5' untranslated region (UTR) through a portion of coding exon 1 in the SMARCA4 gene. Although gross duplications are likely to occur in tandem, gross duplications that include the UTR are expected to have intact full gene sequences in addition to the duplicated sequence (Richardson ME et al. Genet. Med. 2019 03;21(3):683-693; Newman S et al. Am J Hum Genet. 2015 Feb 5;96(2):208-20). It is unknown whether the duplicated material impacts protein sequence or otherwise affects transcriptional/translational regulatory elements. Since supporting evidence is limited at this time, the clinical significance of this alteration remains unclear.

NM_001128849.1:c.-32+10362_35dup

Gene: SMARCA4 (SWI/SNF related BAF chromatin remodeling complex subunit ATPase 4; plus strand).
Variant type: Duplication.
Identifiers: ClinVar variation 1728807 (VCV001728807.2).